The following is an entry in ClinVar:

ClinVar aggregate classification (germline): Benign. Review status: criteria provided, multiple submitters, no conflicts (2 of 4 stars). 3 submissions from 3 submitters: Benign (3). Last evaluated 2025-12-25.

Conditions:
Gelatinous droplike corneal dystrophy (GDLD). Also called: AMYLOID CORNEAL DYSTROPHY, JAPANESE TYPE. Identifiers: Orphanet 98957, MedGen C0339273, MONDO:0008777, OMIM 204870.

Allele frequency attached by ClinVar (database versions not stated): gnomAD exomes 0.00294 and 0.00704; ExAC 0.00865; gnomAD 0.02577; 1000 Genomes Project 0.02975; TOPMed 0.03065; ESP Exome Variant Server 0.03106; 1000 Genomes Project 30x 0.03295.

Submissions (3):

Labcorp Genetics (formerly Invitae), Labcorp
Classification: Benign. Last evaluated: 2025-12-25. Review status: criteria provided, single submitter. Criteria: Invitae Variant Classification Sherloc (09022015). Collection method: clinical testing. Allele origin: germline.

Illumina Laboratory Services, Illumina
Classification: Benign for Gelatinous droplike corneal dystrophy. Last evaluated: 2018-01-13. Review status: criteria provided, single submitter. Criteria: ICSL Variant Classification Criteria 13 December 2019. Collection method: clinical testing. Allele origin: germline.
Comment: This variant was observed in the ICSL laboratory as part of a predisposition screen in an ostensibly healthy population. It had not been previously curated by ICSL or reported in the Human Gene Mutation Database (HGMD: prior to June 1st, 2018), and was therefore a candidate for classification through an automated scoring system. Utilizing variant allele frequency, disease prevalence and penetrance estimates, and inheritance mode, an automated score was calculated to assess if this variant is too frequent to cause the disease. Based on the score and internal cut-off values, a variant classified as benign is not then subjected to further curation. The score for this variant resulted in a classification of benign for this disease.

Breakthrough Genomics
Classification: Benign. Review status: criteria provided, single submitter. Criteria: ACMG Guidelines, 2015. Collection method: not provided. Allele origin: germline. Inheritance: Autosomal recessive inheritance. Affected: yes.

NM_002353.3(TACSTD2):c.889A>G (p.Ile297Val)

Gene: TACSTD2 (tumor associated calcium signal transducer 2; minus strand). Cytogenetic location: 1p32.1.
Variant type: single nucleotide variant.
Coding change: c.889A>G on transcript NM_002353.3 (MANE Select); coding-DNA position 889, A replaced by G.
Protein change: p.Ile297Val; replaces isoleucine 297 with valine.
Molecular consequence: missense variant.
Genome position (GRCh38, 1-based): chr1:58,576,268, T>C on the plus strand (A>G on the coding strand, the complement: TACSTD2 is on the minus strand). VCF-style: chr1-58576268-T-C. GRCh37 (hg19) VCF-style: chr1-59041940-T-C.
Other names: short protein forms I297V.
Identifiers: ClinVar variation 297764 (VCV000297764.14), dbSNP rs114373153, ClinGen allele CA877308.